The following is an entry in ClinVar:

NM_015122.3(FCHO1):c.2094-34C>T

Gene: FCHO1 (FCH and mu domain containing endocytic adaptor 1; plus strand). Cytogenetic location: 19p13.11.
Variant type: single nucleotide variant.
Coding change: c.2094-34C>T on transcript NM_015122.3 (MANE Select); 34 bases into the intron before coding-DNA position 2094, C replaced by T.
Molecular consequence: intron variant.
Genome position (GRCh38, 1-based): chr19:17,784,069, C>T. VCF-style: chr19-17784069-C-T. GRCh37 (hg19) VCF-style: chr19-17894878-C-T.
Other names: c.2094-34C>T (NM_001384370.1, NM_001384376.1, NM_001384375.1 and 13 more transcripts); c.1818-34C>T (NM_001384396.1, NM_001384404.1, NM_001384398.1 and 5 more transcripts); c.2019-34C>T (NM_001384390.1); c.1668-34C>T (NM_001384406.1); c.1523+897C>T (NM_001384407.1); c.1977-34C>T (NM_001384393.1, NM_001384394.1, NM_001384392.1 and 1 more transcripts); c.1773-34C>T (NM_001384403.1); c.2055-34C>T (NM_001384388.1, NM_001384389.1); and 2 more.
Identifiers: ClinVar variation 2688215 (VCV002688215.2), dbSNP rs265558, ClinGen allele CA9300759.
Genomic context (GRCh38, chr19:17,784,069, plus strand): 5'-GGAAATTGCATCTTTAGGAAGGGGTAGATTGAATGCTGGGAGCCCTGGGAGGGCATGTCC[C>T]GAGGATTGGGGTGATCAGTCCGGGTCTCTGCAGTGACCCCTCCCAGAGTGACCCTGAGAC-3'

ClinVar aggregate classification (germline): Benign (1 of 4 stars; one submission).

Allele frequency attached by ClinVar (database versions not stated): 1000 Genomes Project 0.18411; 1000 Genomes Project 30x 0.18816; TOPMed 0.27720; gnomAD 0.28891; ExAC 0.30208; ESP Exome Variant Server 0.31847; gnomAD exomes 0.35063.
gnomAD v4.1: 547,435 of 1,592,426 alleles (34%); highest among the groups gnomAD compares: Non-Finnish European, 38%; 100,221 homozygotes.

Submission:

Unidad de Genómica Garrahan, Hospital de Pediatría Garrahan
Classification: Benign. Last evaluated: 2024-01-24. Review status: criteria provided, single submitter. Criteria: ACMG Guidelines, 2015. Collection method: clinical testing. Allele origin: germline. Affected: no. Observed: 32 variant alleles.
Comment: This variant is classified as Benign based on local population frequency. This variant was detected in 34% of patients studied by a panel of primary immunodeficiencies. Number of patients: 32. Only high quality variants are reported.